The following is an entry in ClinVar:

NM_024422.6(DSC2):c.155-5_155-3dup

Gene: DSC2 (desmocollin 2; minus strand). Cytogenetic location: 18q12.1.
Variant type: Duplication.
Coding change: c.155-5_155-3dup on transcript NM_024422.6 (MANE Select); 5 bases into the intron before coding-DNA position 155 through 3 bases into the intron before coding-DNA position 155, 3 bases duplicated (TAC; older notation c.155-5_155-3dupTAC).
Molecular consequence: intron variant.
Genome position (GRCh38, 1-based): chr18:31,092,303-31,092,305, GTA duplicated on the plus strand (TAC on the coding strand, the reverse complement: DSC2 is on the minus strand); duplicating any 3 consecutive bases within chr18:31,092,303-31,092,306 gives the same sequence; the c. name uses the placement nearest the transcript's 3' end. VCF-style (leftmost placement, unchanged base first): chr18-31092302-T-TGTA. GRCh37 (hg19) VCF-style: chr18-28672265-T-TGTA.
Other names: c.155-5_155-3dup (NM_004949.5); c.-275-5_-275-3dup (NM_001406506.1, NM_001406507.1).
Identifiers: ClinVar variation 3070772 (VCV003070772.1), dbSNP rs2510956359, ClinGen allele CA2825002677.

ClinVar aggregate classification (germline): Uncertain significance (1 of 4 stars; one submission).

Conditions:
Familial isolated arrhythmogenic right ventricular dysplasia. Identifiers: Orphanet 217656, MedGen C4274968, MONDO:0016342.

Submission:

All of Us Research Program, National Institutes of Health
Classification: Uncertain significance for Familial isolated arrhythmogenic right ventricular dysplasia. Last evaluated: 2023-05-04. Review status: criteria provided, single submitter. Criteria: ACMG Guidelines, 2015. Collection method: clinical testing. Allele origin: germline. Inheritance: Autosomal dominant inheritance. Observed: 1 variant allele, 1 heterozygote.
Comment: This variant causes a duplication of 3 nucleotides in intron 2 of the DSC2 gene. To our knowledge, functional studies have not been reported for this variant. This variant has not been reported in individuals affected with DSC2-related disorders in the literature. This variant has not been identified in the general population by the Genome Aggregation Database (gnomAD). The available evidence is insufficient to determine the role of this variant in disease conclusively. Therefore, this variant is classified as a Variant of Uncertain Significance.

This study involves interpretation of variants in research participants for the purpose of population health screening. Participant phenotype was not available at the time of variant classification. Additional details can be found in publication PMID: 35346344, PMCID: PMC8962531